The following is an entry in ClinVar:

NM_006846.4(SPINK5):c.411-17C>G

Gene: SPINK5 (serine peptidase inhibitor Kazal type 5; plus strand). Cytogenetic location: 5q32.
Variant type: single nucleotide variant.
Coding change: c.411-17C>G on transcript NM_006846.4 (MANE Select); 17 bases into the intron before coding-DNA position 411, C replaced by G.
Molecular consequence: intron variant.
Genome position (GRCh38, 1-based): chr5:148,088,525, C>G. VCF-style: chr5-148088525-C-G. GRCh37 (hg19) VCF-style: chr5-147468088-C-G.
Other names: c.411-17C>G (NM_001127698.2, NM_001127699.2).
Identifiers: ClinVar variation 4845273 (VCV004845273.1).
Genomic context (GRCh38, chr5:148,088,525, plus strand): 5'-AATGTAGAGCAGTTAGGTTTGAATGGTGGGAAGTTCTGTGATATTAAACTGCTGTGTCTA[C>G]TAACTTTTGATTCTAGGAAAACCGGGTCCCAAATTGGTGTAAAAAGTGAAGGGGAATGTA-3'

ClinVar aggregate classification (germline): Uncertain significance (1 of 4 stars; one submission).

Conditions:
Netherton syndrome (NETH). Also called: ERYTHRODERMA, ICHTHYOSIFORM, WITH HYPOTRICHOSIS AND HYPER-IgE; COMEL-NETHERTON SYNDROME; NETHERTON DISEASE. Identifiers: Orphanet 634, MedGen C5574950, MONDO:0009735, OMIM 256500.

Submission:

Kasturba Medical College, Manipal, Kasturba Medical College, Manipal, Manipal Academy of Higher Education, Manipal, India
Classification: Uncertain significance for Netherton syndrome. Last evaluated: 2026-04-10. Review status: criteria provided, single submitter. Criteria: ACMG Guidelines, 2015. Collection method: research. Allele origin: unknown. Inheritance: Autosomal recessive inheritance. Affected: yes. Observed: 1 variant allele, 1 homozygote.
Comment: This variant is absent in homozygous state and/or heterozygous state in gnomAD (v4.1.0) population database and our in-house exome data of 3999 individuals. SpliceAI tool has predicted this variant to result in aberrant splicing which may lead to either the formation of a truncated protein product or the transcript to undergo nonsense mediated mRNA decay.